The following is an entry in ClinVar:

ClinVar aggregate classification (germline): Conflicting classifications of pathogenicity. Review status: criteria provided, conflicting classifications (1 of 4 stars). 3 submissions from 3 submitters: Uncertain significance (1); Likely benign (1). 1 of the submissions does not count toward it. Last evaluated 2025-09-22.

Conditions:
MEN1-related disorder. Also called: MEN1-related condition.
Hereditary cancer-predisposing syndrome. Also called: Tumor predisposition; Neoplastic Syndromes, Hereditary; Hereditary Cancer Syndrome; Hereditary neoplastic syndrome. Identifiers: Orphanet 140162, MedGen C0027672, MeSH D009386, MONDO:0015356.
Multiple endocrine neoplasia, type 1 (MEN1). Also called: MEN I; WERMER SYNDROME; Endocrine adenomatosis multiple; MEN 1; MEA I. Identifiers: Orphanet 652, MedGen C0025267, MeSH D018761, MONDO:0007540, OMIM 131100.

Allele frequency attached by ClinVar (database versions not stated): gnomAD 0.00002; TOPMed 0.00002.
gnomAD v4.1: 4 of 1,614,042 alleles (0.00025%); highest among the groups gnomAD compares: Non-Finnish European, 0.00034%; no homozygotes.

Submissions (3):

Labcorp Genetics (formerly Invitae), Labcorp
Classification: Likely benign for Multiple endocrine neoplasia, type 1. Last evaluated: 2025-09-22. Review status: criteria provided, single submitter. Criteria: Invitae Variant Classification Sherloc (09022015). Collection method: clinical testing. Allele origin: germline.

Ambry Genetics
Classification: Uncertain significance for Hereditary cancer-predisposing syndrome. Last evaluated: 2024-04-10. Review status: criteria provided, single submitter. Criteria: Ambry Variant Classification Scheme 2023. Collection method: clinical testing. Allele origin: germline.
Comment: The p.V118M variant (also known as c.352G>A), located in coding exon 1 of the MEN1 gene, results from a G to A substitution at nucleotide position 352. The valine at codon 118 is replaced by methionine, an amino acid with highly similar properties. This amino acid position is highly conserved in available vertebrate species. In addition, this alteration is predicted to be deleterious by in silico analysis. Since supporting evidence is limited at this time, the clinical significance of this alteration remains unclear.

PreventionGenetics, part of Exact Sciences
Classification: Uncertain significance for MEN1-related condition. Last evaluated: 2023-11-10. Review status: no assertion criteria provided. Collection method: clinical testing. Allele origin: germline. Not counted in ClinVar's aggregate classification.
Comment: The MEN1 c.352G>A variant is predicted to result in the amino acid substitution p.Val118Met. To our knowledge, this variant has not been reported in the literature or in a large population database, indicating this variant is rare. This variant has been interpreted in ClinVar as uncertain. At this time, the clinical significance of this variant is uncertain due to the absence of conclusive functional and genetic evidence.

NM_001370259.2(MEN1):c.352G>A (p.Val118Met)

Gene: MEN1 (menin 1; minus strand). Cytogenetic location: 11q13.1.
Variant type: single nucleotide variant.
Coding change: c.352G>A on transcript NM_001370259.2 (MANE Select); coding-DNA position 352, G replaced by A.
Protein change: p.Val118Met; replaces valine 118 with methionine.
Molecular consequence: missense variant.
Genome position (GRCh38, 1-based): chr11:64,809,758, C>T on the plus strand (G>A on the coding strand, the complement: MEN1 is on the minus strand). VCF-style: chr11-64809758-C-T. GRCh37 (hg19) VCF-style: chr11-64577230-C-T.
Other names: c.352G>A, p.Val118Met (NM_000244.4, NM_001370251.2, NM_001370260.2 and 9 more transcripts); c.352G>A (NM_000244.3); short protein forms V118M.
Identifiers: ClinVar variation 403804 (VCV000403804.17), dbSNP rs1060499975, ClinGen allele CA16613633.